The following is an entry in ClinVar:

NM_001114086.2(CLIC5):c.340A>G (p.Thr114Ala)

Gene: CLIC5 (CLIC family member 5; minus strand). Cytogenetic location: 6p21.1.
Variant type: single nucleotide variant.
Coding change: c.340A>G on transcript NM_001114086.2; coding-DNA position 340, A replaced by G.
Protein change: p.Thr114Ala; replaces threonine 114 with alanine.
Molecular consequence: missense variant. On other transcripts: intron variant (1).
Genome position (GRCh38, 1-based): chr6:46,079,903, T>C on the plus strand (A>G on the coding strand, the complement: CLIC5 is on the minus strand). VCF-style: chr6-46079903-T-C. GRCh37 (hg19) VCF-style: chr6-46047640-T-C.
Other names: c.340A>G, p.Thr114Ala (NM_001370650.1); c.-55+49601A>G (NM_001370649.1); short protein forms T114A.
Identifiers: ClinVar variation 508092 (VCV000508092.15), dbSNP rs723580, ClinGen allele CA3836983.

ClinVar aggregate classification (germline): Benign. Review status: criteria provided, multiple submitters, no conflicts (2 of 4 stars). 5 submissions from 5 submitters: Benign (5). Last evaluated 2026-02-01.

Allele frequency attached by ClinVar (database versions not stated): 1000 Genomes Project 0.03614; 1000 Genomes Project 30x 0.03498; gnomAD exomes 0.04335 and 0.04696; TOPMed 0.04359; ESP Exome Variant Server 0.04446; ExAC 0.04663.
gnomAD v4.1: 72,890 of 1,551,914 alleles (4.7%); highest among the groups gnomAD compares: Middle Eastern, 6.8%; 1,820 homozygotes.

Submissions (5):

Labcorp Genetics (formerly Invitae), Labcorp
Classification: Benign. Last evaluated: 2026-02-01. Review status: criteria provided, single submitter. Criteria: Invitae Variant Classification Sherloc (09022015). Collection method: clinical testing. Allele origin: germline.

Blueprint Genetics
Classification: Benign. Last evaluated: 2024-11-27. Review status: criteria provided, single submitter. Criteria: ACMG Guidelines, 2015. Collection method: clinical testing. Allele origin: germline.

Athena Diagnostics
Classification: Benign. Last evaluated: 2018-05-23. Review status: criteria provided, single submitter. Criteria: Athena Diagnostics Criteria. Collection method: clinical testing. Allele origin: germline.

Laboratory for Molecular Medicine, Mass General Brigham Personalized Medicine
Classification: Benign. Last evaluated: 2017-08-23. Review status: criteria provided, single submitter. Criteria: LMM Criteria. Collection method: clinical testing. Allele origin: germline. Observed: 29 variant alleles.
Comment: p.Thr114Ala in exon 1 of CLIC5: This variant is not expected to have clinical si gnificance because it has been identified in 7.59% (126/1660) of Finnish chromos omes by the Exome Aggregation Consortium (ExAC; dbSNP rs723580).

GeneDx
Classification: Benign. Last evaluated: 2017-05-09. Review status: criteria provided, single submitter. Criteria: GeneDx Variant Classification (06012015). Collection method: clinical testing. Allele origin: germline. Affected: yes.
Comment: This variant is considered likely benign or benign based on one or more of the following criteria: it is a conservative change, it occurs at a poorly conserved position in the protein, it is predicted to be benign by multiple in silico algorithms, and/or has population frequency not consistent with disease.